The following is an entry in ClinVar:

NM_000075.4(CDK4):c.707A>G (p.Asp236Gly)

Genes: CDK4 (cyclin dependent kinase 4; minus strand), TSPAN31 (tetraspanin 31; plus strand). Cytogenetic location: 12q14.1.
Variant type: single nucleotide variant.
Coding change: c.707A>G on transcript NM_000075.4 (MANE Select); coding-DNA position 707, A replaced by G.
Protein change: p.Asp236Gly; replaces aspartic acid 236 with glycine.
Molecular consequence: missense variant. On other transcripts: 3 prime UTR variant (3).
Genome position (GRCh38, 1-based): chr12:57,749,294, T>C on the plus strand (A>G on the coding strand, the complement: CDK4 is on the minus strand). VCF-style: chr12-57749294-T-C. GRCh37 (hg19) VCF-style: chr12-58143077-T-C.
Other names: c.*2004T>C (NM_001330168.2, NM_001330169.2, NM_005981.5); short protein forms D236G.
Identifiers: ClinVar variation 1493668 (VCV001493668.6), dbSNP rs1403703683, ClinGen allele CA385543596.

ClinVar aggregate classification (germline): Uncertain significance (1 of 4 stars; one submission).

Conditions:
Familial melanoma. Also called: Hereditary melanoma; Hereditary cutaneous melanoma. Identifiers: Orphanet 618, MedGen C1512419, MONDO:0018961.

gnomAD v4.1: 1 of 1,614,160 alleles (0.000062%); highest among the groups gnomAD compares: East Asian, 0.0022%; no homozygotes.

Submission:

Labcorp Genetics (formerly Invitae), Labcorp
Classification: Uncertain significance for Familial melanoma. Last evaluated: 2024-02-07. Review status: criteria provided, single submitter. Criteria: Invitae Variant Classification Sherloc (09022015). Collection method: clinical testing. Allele origin: germline.
Comment: This sequence change replaces aspartic acid, which is acidic and polar, with glycine, which is neutral and non-polar, at codon 236 of the CDK4 protein (p.Asp236Gly). This variant is not present in population databases (gnomAD no frequency). This variant has not been reported in the literature in individuals affected with CDK4-related conditions. ClinVar contains an entry for this variant (Variation ID: 1493668). Advanced modeling of protein sequence and biophysical properties (such as structural, functional, and spatial information, amino acid conservation, physicochemical variation, residue mobility, and thermodynamic stability) performed at Invitae indicates that this missense variant is not expected to disrupt CDK4 protein function with a negative predictive value of 95%. In summary, the available evidence is currently insufficient to determine the role of this variant in disease. Therefore, it has been classified as a Variant of Uncertain Significance.